The following is an entry in ClinVar:

ClinVar aggregate classification (germline): Uncertain significance (1 of 4 stars; one submission).

Conditions:
H syndrome. Also called: HISTIOCYTOSIS AND LYMPHADENOPATHY WITH OR WITHOUT CUTANEOUS, CARDIAC, AND/OR ENDOCRINE FEATURES, JOINT CONTRACTURES, AND/OR DEAFNESS; HYPERPIGMENTATION, CUTANEOUS, WITH HYPERTRICHOSIS, HEPATOSPLENOMEGALY, HEART ANOMALIES, AND HYPOGONADISM WITH OR WITHOUT HEARING LOSS; PIGMENTED HYPERTRICHOSIS WITH INSULIN-DEPENDENT DIABETES MELLITUS; ROSAI-DORFMAN DISEASE, FAMILIAL; SINUS HISTIOCYTOSIS AND MASSIVE LYMPHADENOPATHY; Hyperpigmentation, Cutaneous, with Hypertrichosis, Hepatosplenomegaly, Heart Anomalies, Hearing Loss, and Hypogonadism. Identifiers: Orphanet 168569, MedGen C1864445, MONDO:0011273, OMIM 602782.

gnomAD v4.1: 12 of 1,614,042 alleles (0.00074%); highest among the groups gnomAD compares: Non-Finnish European, 0.001%; no homozygotes.

Submission:

Labcorp Genetics (formerly Invitae), Labcorp
Classification: Uncertain significance for H syndrome. Last evaluated: 2022-08-09. Review status: criteria provided, single submitter. Criteria: Invitae Variant Classification Sherloc (09022015). Collection method: clinical testing. Allele origin: germline.
Comment: This sequence change replaces lysine, which is basic and polar, with asparagine, which is neutral and polar, at codon 75 of the SLC29A3 protein (p.Lys75Asn). This variant is present in population databases (no rsID available, gnomAD 0.0009%). This variant has not been reported in the literature in individuals affected with SLC29A3-related conditions. Algorithms developed to predict the effect of missense changes on protein structure and function are either unavailable or do not agree on the potential impact of this missense change (SIFT: "Tolerated"; PolyPhen-2: "Possibly Damaging"; Align-GVGD: "Class C0"). In summary, the available evidence is currently insufficient to determine the role of this variant in disease. Therefore, it has been classified as a Variant of Uncertain Significance.

NM_018344.6(SLC29A3):c.225G>C (p.Lys75Asn)

Gene: SLC29A3 (solute carrier family 29 member 3; plus strand). Cytogenetic location: 10q22.1.
Variant type: single nucleotide variant.
Coding change: c.225G>C on transcript NM_018344.6 (MANE Select); coding-DNA position 225, G replaced by C.
Protein change: p.Lys75Asn; replaces lysine 75 with asparagine.
Molecular consequence: missense variant. On other transcripts: 5 prime UTR variant (1), non-coding transcript variant (2).
Genome position (GRCh38, 1-based): chr10:71,322,979, G>C. VCF-style: chr10-71322979-G-C. GRCh37 (hg19) VCF-style: chr10-73082736-G-C.
Other names: c.225G>C, p.Lys75Asn (NM_001174098.2); c.-10G>C (NM_001363518.2); short protein forms K75N.
Identifiers: ClinVar variation 2045617 (VCV002045617.1), dbSNP rs543016261, ClinGen allele CA377129339.